The following is an entry in ClinVar:

NM_004006.3(DMD):c.6151C>T (p.Arg2051Trp)

Gene: DMD (dystrophin; minus strand). Cytogenetic location: Xp21.1.
Variant type: single nucleotide variant.
Coding change: c.6151C>T on transcript NM_004006.3 (MANE Select); coding-DNA position 6151, C replaced by T.
Protein change: p.Arg2051Trp; replaces arginine 2051 with tryptophan.
Molecular consequence: missense variant.
Genome position (GRCh38, 1-based): chrX:32,287,668, G>A on the plus strand (C>T on the coding strand, the complement: DMD is on the minus strand). VCF-style: chrX-32287668-G-A. GRCh37 (hg19) VCF-style: chrX-32305785-G-A.
Other names: c.6127C>T, p.Arg2043Trp (NM_000109.4); c.6139C>T, p.Arg2047Trp (NM_004009.3); c.5782C>T, p.Arg1928Trp (NM_004010.3); c.2128C>T, p.Arg710Trp (NM_004011.4); c.2119C>T, p.Arg707Trp (NM_004012.4); short protein forms R2051W, R2047W, R710W, R707W, R1928W, R2043W.
Identifiers: ClinVar variation 380270 (VCV000380270.17), dbSNP rs140791274, ClinGen allele CA10378521.
Genomic context (GRCh38, chrX:32,287,668, plus strand): 5'-TTTCCACAGGCGTTGCACTTTGCAATGCTGCTGTCTTCTTGCTATGAATAATGTCAATCC[G>A]ACCTGAGCTTTGTTGTAGACTATCTTTTATATTCTGTAATATAAAAATTTTAAAACAGTA-3'
Protein context (NP_003997.2, residues 2041-2061): IKDSLQQSSG[Arg2051Trp]IDIIHSKKTA

ClinVar aggregate classification (germline): Conflicting classifications of pathogenicity. Review status: criteria provided, conflicting classifications (1 of 4 stars). 7 submissions from 7 submitters: Uncertain significance (2); Likely benign (4). 1 of the submissions does not count toward it. Last evaluated 2025-12-30.

Conditions:
Cardiomyopathy (CMYO). Also called: Cardiomyopathies. Identifiers: Orphanet 167848, MedGen C0878544, MONDO:0004994, HP:0001638. Inheritance: Various modes of inheritance.
Dystrophin deficiency.
Duchenne muscular dystrophy (DMD). Also called: MUSCULAR DYSTROPHY, PSEUDOHYPERTROPHIC PROGRESSIVE, DUCHENNE TYPE; Duchenne Muscular Dystrophy (DMD). Identifiers: Orphanet 98896, MedGen C0013264, MONDO:0010679, OMIM 310200.
Becker muscular dystrophy (BMD). Also called: MUSCULAR DYSTROPHY, PSEUDOHYPERTROPHIC PROGRESSIVE, BECKER TYPE; Becker Muscular Dystrophy (BMD). Identifiers: Orphanet 98895, MedGen C0917713, MONDO:0010311, OMIM 300376.
Cardiovascular phenotype. Identifiers: MedGen CN230736.

Allele frequency attached by ClinVar (database versions not stated): gnomAD 0.00001 and 0.00004; gnomAD exomes 0.00003; ExAC 0.00005; ESP Exome Variant Server 0.00019.
gnomAD v4.1: 31 of 1,206,230 alleles (0.0026%); highest among the groups gnomAD compares: East Asian, 0.0059%; 1 homozygote.

Submissions (7):

Ambry Genetics
Classification: Likely benign for Cardiovascular phenotype. Last evaluated: 2025-12-30. Review status: criteria provided, single submitter. Criteria: Ambry Variant Classification Scheme 2023. Collection method: clinical testing. Allele origin: germline.

Labcorp Genetics (formerly Invitae), Labcorp
Classification: Likely benign for Duchenne muscular dystrophy. Last evaluated: 2025-08-12. Review status: criteria provided, single submitter. Criteria: Invitae Variant Classification Sherloc (09022015). Collection method: clinical testing. Allele origin: germline.

Molecular Diagnostic Laboratory for Inherited Cardiovascular Disease, Montreal Heart Institute
Classification: Uncertain significance for Cardiovascular phenotype. Last evaluated: 2025-04-09. Review status: criteria provided, single submitter. Criteria: ACMG Guidelines, 2015. Collection method: clinical testing. Allele origin: germline. Affected: yes.

Blueprint Genetics
Classification: Likely benign. Last evaluated: 2024-10-24. Review status: criteria provided, single submitter. Criteria: ACMG Guidelines, 2015. Collection method: clinical testing. Allele origin: germline.

Women's Health and Genetics/Laboratory Corporation of America, LabCorp
Classification: Uncertain significance. Last evaluated: 2023-04-10. Review status: criteria provided, single submitter. Criteria: LabCorp Variant Classification Summary - May 2015. Collection method: clinical testing. Allele origin: germline.

GeneDx
Classification: Likely benign. Last evaluated: 2016-12-29. Review status: criteria provided, single submitter. Criteria: GeneDx Variant Classification (06012015). Collection method: clinical testing. Allele origin: germline. Affected: yes.
Comment: This variant is considered likely benign or benign based on one or more of the following criteria: it is a conservative change, it occurs at a poorly conserved position in the protein, it is predicted to be benign by multiple in silico algorithms, and/or has population frequency not consistent with disease.

Natera, Inc.
Classification: Likely benign for Becker muscular dystrophy; Cardiomyopathy; Duchenne muscular dystrophy; Dystrophin deficiency. Last evaluated: 2020-06-16. Review status: no assertion criteria provided. Collection method: clinical testing. Allele origin: germline. Not counted in ClinVar's aggregate classification.